The following is an entry in ClinVar:

ClinVar aggregate classification (germline): Uncertain significance (1 of 4 stars; one submission).

Submission:

GeneDx
Classification: Uncertain significance. Last evaluated: 2024-06-05. Review status: criteria provided, single submitter. Criteria: GeneDx Variant Classification Process June 2021. Collection method: clinical testing. Allele origin: germline. Affected: yes.
Comment: Not observed at significant frequency in large population cohorts (gnomAD); In silico analysis supports a deleterious effect on protein structure/function; Has not been previously published as pathogenic or benign to our knowledge; This variant is associated with the following publications: (PMID: 8906794)

NM_000264.5(PTCH1):c.445_446delinsAG (p.Glu149Arg)

Gene: PTCH1 (patched 1; minus strand). Cytogenetic location: 9q22.32.
Variant type: Indel.
Coding change: c.445_446delinsAG on transcript NM_000264.5 (MANE Select); coding-DNA positions 445 to 446, GA replaced by AG.
Protein change: p.Glu149Arg; replaces glutamic acid 149 with arginine.
Molecular consequence: missense variant. On other transcripts: 5 prime UTR variant (4), non-coding transcript variant (1).
Genome position (GRCh38, 1-based): chr9:95,485,823-95,485,824, TC replaced by CT on the plus strand (GA replaced by AG on the coding strand, the reverse complement: PTCH1 is on the minus strand). VCF-style: chr9-95485823-TC-CT. GRCh37 (hg19) VCF-style: chr9-98248105-TC-CT.
Other names: c.445_446delGAinsAG, p.Glu149Arg (NM_000264.3); c.247_248delinsAG, p.Glu83Arg (NM_001083602.3, NM_001354919.2); c.442_443delinsAG, p.Glu148Arg (NM_001083603.3); c.-9_-8delinsAG (NM_001083604.3, NM_001083605.3, NM_001083606.3 and 1 more transcripts); c.445_446delinsAG, p.Glu149Arg (NM_001354918.2); short protein forms E148R, E149R, E83R.
Identifiers: ClinVar variation 3384266 (VCV003384266.1).
Genomic context (GRCh38, chr9:95,485,823, plus strand): 5'-ACATTAGCACCTTCTTCTTTAGGGGTCTGTATCATGAGTTGAGGATTAAACATAGCCTCT[TC>CT]TCCAATCTTCTGGCGAGTATAATTTAATTCACGACTTACTCGTCCTCCAACTGACAAATA-3'
Protein context (NP_000255.2, residues 139-159): ELNYTRQKIG[Glu149Arg]EAMFNPQLMI